The following is an entry in ClinVar:

ClinVar aggregate classification (germline): Uncertain significance (1 of 4 stars; one submission).

Allele frequency attached by ClinVar (database versions not stated): gnomAD exomes below 0.00001; gnomAD 0.00001.
gnomAD v4.1: 5 of 1,613,530 alleles (0.00031%); highest among the groups gnomAD compares: Non-Finnish European, 0.00042%; no homozygotes.

Submission:

Labcorp Genetics (formerly Invitae), Labcorp
Classification: Uncertain significance. Last evaluated: 2024-11-11. Review status: criteria provided, single submitter. Criteria: Invitae Variant Classification Sherloc (09022015). Collection method: clinical testing. Allele origin: germline.
Comment: This sequence change replaces threonine, which is neutral and polar, with alanine, which is neutral and non-polar, at codon 258 of the NXN protein (p.Thr258Ala). This variant is not present in population databases (gnomAD no frequency). This variant has not been reported in the literature in individuals affected with NXN-related conditions. ClinVar contains an entry for this variant (Variation ID: 1398979). An algorithm developed to predict the effect of missense changes on protein structure and function (PolyPhen-2) suggests that this variant is likely to be tolerated. In summary, the available evidence is currently insufficient to determine the role of this variant in disease. Therefore, it has been classified as a Variant of Uncertain Significance.

NM_022463.5(NXN):c.772A>G (p.Thr258Ala)

Gene: NXN (nucleoredoxin; minus strand). Cytogenetic location: 17p13.3.
Variant type: single nucleotide variant.
Coding change: c.772A>G on transcript NM_022463.5 (MANE Select); coding-DNA position 772, A replaced by G.
Protein change: p.Thr258Ala; replaces threonine 258 with alanine.
Molecular consequence: missense variant.
Genome position (GRCh38, 1-based): chr17:819,487, T>C on the plus strand (A>G on the coding strand, the complement: NXN is on the minus strand). VCF-style: chr17-819487-T-C. GRCh37 (hg19) VCF-style: chr17-722727-T-C.
Other names: c.448A>G, p.Thr150Ala (NM_001205319.1); short protein forms T150A, T258A.
Identifiers: ClinVar variation 1398979 (VCV001398979.8), dbSNP rs1912693843, ClinGen allele CA397491606.
Genomic context (GRCh38, chr17:819,487, plus strand): 5'-TGGAGCGCCTACCTTGGATTCCGTACAGCCGGTTGAGGCGCGACCGCCGGGCCTCATCCG[T>C]GTAGGGGACGGCGAGCCAGGGCATCTCACTGAAGTACTGTTTGAAGGACTCCTCCGACCT-3'
Protein context (NP_071908.2, residues 248-268): SEMPWLAVPY[Thr258Ala]DEARRSRLNR